The following is an entry in ClinVar:

NM_005869.4(CWC27):c.755A>C (p.Lys252Thr)

Gene: CWC27 (CWC27 spliceosome associated cyclophilin; plus strand). Cytogenetic location: 5q12.3.
Variant type: single nucleotide variant.
Coding change: c.755A>C on transcript NM_005869.4 (MANE Select); coding-DNA position 755, A replaced by C.
Protein change: p.Lys252Thr; replaces lysine 252 with threonine.
Molecular consequence: missense variant.
Genome position (GRCh38, 1-based): chr5:64,801,307, A>C. VCF-style: chr5-64801307-A-C. GRCh37 (hg19) VCF-style: chr5-64097134-A-C.
Other names: c.755A>C, p.Lys252Thr (NM_001297644.1, NM_001297645.2, NM_001318000.2 and 1 more transcripts); short protein forms K252T.
Identifiers: ClinVar variation 3638215 (VCV003638215.2).

ClinVar aggregate classification (germline): Uncertain significance (1 of 4 stars; one submission).

gnomAD v4.1: 1 of 1,415,284 alleles (0.000071%); highest among the groups gnomAD compares: Non-Finnish European, 0.000095%; no homozygotes.

Submission:

Labcorp Genetics (formerly Invitae), Labcorp
Classification: Uncertain significance. Last evaluated: 2024-02-10. Review status: criteria provided, single submitter. Criteria: Invitae Variant Classification Sherloc (09022015). Collection method: clinical testing. Allele origin: germline.
Comment: This sequence change replaces lysine, which is basic and polar, with threonine, which is neutral and polar, at codon 252 of the CWC27 protein (p.Lys252Thr). This variant is not present in population databases (gnomAD no frequency). This variant has not been reported in the literature in individuals affected with CWC27-related conditions. An algorithm developed to predict the effect of missense changes on protein structure and function (PolyPhen-2) suggests that this variant is likely to be tolerated. In summary, the available evidence is currently insufficient to determine the role of this variant in disease. Therefore, it has been classified as a Variant of Uncertain Significance.